The following is an entry in ClinVar:

NM_006231.4(POLE):c.188T>C (p.Leu63Pro)

Gene: POLE (DNA polymerase epsilon, catalytic subunit; minus strand). Cytogenetic location: 12q24.33.
Variant type: single nucleotide variant.
Coding change: c.188T>C on transcript NM_006231.4 (MANE Select); coding-DNA position 188, T replaced by C.
Protein change: p.Leu63Pro; replaces leucine 63 with proline.
Molecular consequence: missense variant.
Genome position (GRCh38, 1-based): chr12:132,681,154, A>G on the plus strand (T>C on the coding strand, the complement: POLE is on the minus strand). VCF-style: chr12-132681154-A-G. GRCh37 (hg19) VCF-style: chr12-133257740-A-G.
Other names: c.188T>C (NM_006231.2); short protein forms L63P.
Identifiers: ClinVar variation 1963863 (VCV001963863.6), dbSNP rs2136033650, ClinGen allele CA387369686.

ClinVar aggregate classification (germline): Uncertain significance. Review status: criteria provided, multiple submitters, no conflicts (2 of 4 stars). 2 submissions from 2 submitters: Uncertain significance (2). Last evaluated 2025-08-06.

Conditions:
Hereditary cancer-predisposing syndrome. Also called: Hereditary Cancer Syndrome; Hereditary neoplastic syndrome; Tumor predisposition; Neoplastic Syndromes, Hereditary. Identifiers: Orphanet 140162, MedGen C0027672, MeSH D009386, MONDO:0015356.

Submissions (2):

Labcorp Genetics (formerly Invitae), Labcorp
Classification: Uncertain significance. Last evaluated: 2025-08-06. Review status: criteria provided, single submitter. Criteria: Invitae Variant Classification Sherloc (09022015). Collection method: clinical testing. Allele origin: germline.
Comment: This sequence change replaces leucine, which is neutral and non-polar, with proline, which is neutral and non-polar, at codon 63 of the POLE protein (p.Leu63Pro). This variant is not present in population databases (gnomAD no frequency). This variant has not been reported in the literature in individuals affected with POLE-related conditions. ClinVar contains an entry for this variant (Variation ID: 1963863). Invitae Evidence Modeling of protein sequence and biophysical properties (such as structural, functional, and spatial information, amino acid conservation, physicochemical variation, residue mobility, and thermodynamic stability) indicates that this missense variant is expected to disrupt POLE protein function with a positive predictive value of 80%. In summary, the available evidence is currently insufficient to determine the role of this variant in disease. Therefore, it has been classified as a Variant of Uncertain Significance.

Ambry Genetics
Classification: Uncertain significance for Hereditary cancer-predisposing syndrome. Last evaluated: 2024-10-12. Review status: criteria provided, single submitter. Criteria: Ambry Variant Classification Scheme 2023. Collection method: clinical testing. Allele origin: germline.
Comment: The p.L63P variant (also known as c.188T>C), located in coding exon 2 of the POLE gene, results from a T to C substitution at nucleotide position 188. The leucine at codon 63 is replaced by proline, an amino acid with similar properties. This amino acid position is conserved. In addition, the in silico prediction for this alteration is inconclusive. Based on the available evidence, the clinical significance of this variant remains unclear.